The following is an entry in ClinVar:

ClinVar aggregate classification (germline): Uncertain significance (1 of 4 stars; one submission).

Conditions:
Epileptic encephalopathy. Identifiers: MedGen C0543888, HP:0200134.

Allele frequency attached by ClinVar (database versions not stated): TOPMed below 0.00001; gnomAD 0.00001.

Submission:

Labcorp Genetics (formerly Invitae), Labcorp
Classification: Uncertain significance for Epileptic encephalopathy. Last evaluated: 2024-08-08. Review status: criteria provided, single submitter. Criteria: Invitae Variant Classification Sherloc (09022015). Collection method: clinical testing. Allele origin: germline.
Comment: This sequence change replaces histidine, which is basic and polar, with arginine, which is basic and polar, at codon 382 of the GABBR2 protein (p.His382Arg). This variant is not present in population databases (gnomAD no frequency). This variant has not been reported in the literature in individuals affected with GABBR2-related conditions. ClinVar contains an entry for this variant (Variation ID: 1503224). Advanced modeling of protein sequence and biophysical properties (such as structural, functional, and spatial information, amino acid conservation, physicochemical variation, residue mobility, and thermodynamic stability) performed at Invitae indicates that this missense variant is not expected to disrupt GABBR2 protein function with a negative predictive value of 80%. In summary, the available evidence is currently insufficient to determine the role of this variant in disease. Therefore, it has been classified as a Variant of Uncertain Significance.

NM_005458.8(GABBR2):c.1145A>G (p.His382Arg)

Gene: GABBR2 (gamma-aminobutyric acid type B receptor subunit 2; minus strand). Cytogenetic location: 9q22.33.
Variant type: single nucleotide variant.
Coding change: c.1145A>G on transcript NM_005458.8 (MANE Select); coding-DNA position 1145, A replaced by G.
Protein change: p.His382Arg; replaces histidine 382 with arginine.
Molecular consequence: missense variant.
Genome position (GRCh38, 1-based): chr9:98,454,072, T>C on the plus strand (A>G on the coding strand, the complement: GABBR2 is on the minus strand). VCF-style: chr9-98454072-T-C. GRCh37 (hg19) VCF-style: chr9-101216354-T-C.
Other names: short protein forms H382R.
Identifiers: ClinVar variation 1503224 (VCV001503224.8), dbSNP rs1826282067, ClinGen allele CA374350487.